The following is an entry in ClinVar:

NM_001267550.2(TTN):c.70686C>T (p.Ser23562=)

Genes: TTN (titin; minus strand), TTN-AS1 (TTN antisense RNA 1; plus strand). Cytogenetic location: 2q31.2.
Variant type: single nucleotide variant.
Coding change: c.70686C>T on transcript NM_001267550.2 (MANE Select); coding-DNA position 70686, C replaced by T.
Protein change: p.Ser23562=; no amino-acid change (serine 23562 retained).
Molecular consequence: synonymous variant.
Genome position (GRCh38, 1-based): chr2:178,575,446, G>A on the plus strand (C>T on the coding strand, the complement: TTN is on the minus strand). VCF-style: chr2-178575446-G-A. GRCh37 (hg19) VCF-style: chr2-179440173-G-A.
Other names: c.65763C>T, p.Ser21921= (NM_001256850.1); c.43491C>T, p.Ser14497= (NM_003319.4); c.43866C>T, p.Ser14622= (NM_133432.3); c.44067C>T, p.Ser14689= (NM_133437.4); c.62982C>T, p.Ser20994= (NM_133378.4).
Identifiers: ClinVar variation 228135 (VCV000228135.8), dbSNP rs371481540, ClinGen allele CA10576488.

ClinVar aggregate classification (germline): Likely benign. Review status: criteria provided, multiple submitters, no conflicts (2 of 4 stars). 3 submissions from 3 submitters: Likely benign (3). Last evaluated 2025-07-24.

Conditions:
TTN-related disorder. Also called: TTN-related disorders; TTN-related condition; TTN-related disease.
Cardiovascular phenotype. Identifiers: MedGen CN230736.

Allele frequency attached by ClinVar (database versions not stated): gnomAD exomes 0.00001; gnomAD 0.00002; TOPMed 0.00005; ESP Exome Variant Server 0.00008.
gnomAD v4.1: 11 of 1,613,434 alleles (0.00068%); highest among the groups gnomAD compares: African/African-American, 0.011%; no homozygotes.

Submissions (3):

PreventionGenetics, part of Exact Sciences
Classification: Likely benign for TTN-related condition. Last evaluated: 2025-07-24. Review status: criteria provided, single submitter. Criteria: ACMG Guidelines, 2015. Collection method: clinical testing. Allele origin: germline.
Comment: This variant is classified as likely benign based on ACMG/AMP sequence variant interpretation guidelines (Richards et al. 2015 PMID: 25741868, with internal and published modifications).

Ambry Genetics
Classification: Likely benign for Cardiovascular phenotype. Last evaluated: 2021-05-03. Review status: criteria provided, single submitter. Criteria: Ambry Variant Classification Scheme 2023. Collection method: clinical testing. Allele origin: germline.

Laboratory for Molecular Medicine, Mass General Brigham Personalized Medicine
Classification: Likely benign. Last evaluated: 2012-03-19. Review status: criteria provided, single submitter. Criteria: LMM Criteria. Collection method: clinical testing. Allele origin: germline. Observed: 1 variant allele.
Comment: p.Ser20994Ser in exon 275 of TTN: This variant is not expected to have clinical significance because it does not alter an amino acid residue and is not located within the splice consensus sequence. It has been identified in 1/3424 African A merican chromosomes from a broad population by the NHLBI Exome Sequencing Projec t.